The following is an entry in ClinVar:

NM_001267550.2(TTN):c.106188T>A (p.Asp35396Glu)

Genes: TTN (titin; minus strand), TTN-AS1 (TTN antisense RNA 1; plus strand), LOC129935182 (ATAC-STARR-seq lymphoblastoid active region 16807; plus strand). Cytogenetic location: 2q31.2.
Variant type: single nucleotide variant.
Coding change: c.106188T>A on transcript NM_001267550.2 (MANE Select); coding-DNA position 106188, T replaced by A.
Protein change: p.Asp35396Glu; replaces aspartic acid 35396 with glutamic acid.
Molecular consequence: missense variant.
Genome position (GRCh38, 1-based): chr2:178,530,427, A>T on the plus strand (T>A on the coding strand, the complement: TTN is on the minus strand). VCF-style: chr2-178530427-A-T. GRCh37 (hg19) VCF-style: chr2-179395154-A-T.
Other names: c.101265T>A, p.Asp33755Glu (NM_001256850.1); c.78993T>A, p.Asp26331Glu (NM_003319.4); c.98484T>A, p.Asp32828Glu (NM_133378.4); c.79368T>A, p.Asp26456Glu (NM_133432.3); c.79569T>A, p.Asp26523Glu (NM_133437.4); short protein forms D35396E, D26456E, D26331E, D33755E, D26523E, D32828E.
Identifiers: ClinVar variation 466750 (VCV000466750.9), dbSNP rs770681247, ClinGen allele CA349406709.

ClinVar aggregate classification (germline): Uncertain significance (1 of 4 stars; one submission).

Conditions:
Autosomal recessive limb-girdle muscular dystrophy type 2J (LGMDR10). Also called: Limb-girdle muscular dystrophy, type 2J; MUSCULAR DYSTROPHY, LIMB-GIRDLE, AUTOSOMAL RECESSIVE 10. Identifiers: Orphanet 140922, MedGen C1837342, MONDO:0012127, OMIM 608807.
Dilated cardiomyopathy 1G (CMD1G). Identifiers: Orphanet 154, MedGen C1858763, MONDO:0011400, OMIM 604145.

gnomAD v4.1: 4 of 1,613,910 alleles (0.00025%); highest among the groups gnomAD compares: Middle Eastern, 0.016%; no homozygotes.

Submission:

Labcorp Genetics (formerly Invitae), Labcorp
Classification: Uncertain significance for Dilated cardiomyopathy 1G; Autosomal recessive limb-girdle muscular dystrophy type 2J. Last evaluated: 2025-09-02. Review status: criteria provided, single submitter. Criteria: Invitae Variant Classification Sherloc (09022015). Collection method: clinical testing. Allele origin: germline.
Comment: This sequence change replaces aspartic acid, which is acidic and polar, with glutamic acid, which is acidic and polar, at codon 35396 of the TTN protein (p.Asp35396Glu). This variant is not present in population databases (gnomAD no frequency). This variant has not been reported in the literature in individuals affected with TTN-related conditions. ClinVar contains an entry for this variant (Variation ID: 466750). Experimental studies and prediction algorithms are not available or were not evaluated, and the functional significance of this variant is currently unknown. This variant is located in the M band of TTN (PMID: 25589632). Non-truncating variants in this region may be relevant for neuromuscular disorders, but have not been definitively shown to cause cardiomyopathy (PMID: 23975875). In summary, the available evidence is currently insufficient to determine the role of this variant in disease. Therefore, it has been classified as a Variant of Uncertain Significance.

Literature cited by the submitters: PubMed 25589632; PubMed 23975875.